The following is an entry in ClinVar:

ClinVar aggregate classification (germline): Pathogenic (1 of 4 stars; one submission).

Submission:

Labcorp Genetics (formerly Invitae), Labcorp
Classification: Pathogenic. Last evaluated: 2023-12-07. Review status: criteria provided, single submitter. Criteria: Invitae Variant Classification Sherloc (09022015). Collection method: clinical testing. Allele origin: germline.
Comment: This sequence change creates a premature translational stop signal (p.Gln1497Argfs*7) in the CEP250 gene. It is expected to result in an absent or disrupted protein product. Loss-of-function variants in CEP250 are known to be pathogenic (PMID: 24780881, 29718797). This variant is not present in population databases (gnomAD no frequency). This variant has not been reported in the literature in individuals affected with CEP250-related conditions. ClinVar contains an entry for this variant (Variation ID: 2065695). For these reasons, this variant has been classified as Pathogenic.

Literature cited by the submitters: PubMed 24780881; PubMed 29718797.

NM_007186.6(CEP250):c.4489del (p.Gln1497fs)

Gene: CEP250 (centrosomal protein 250; plus strand). Cytogenetic location: 20q11.22.
Variant type: Deletion.
Coding change: c.4489del on transcript NM_007186.6 (MANE Select); coding-DNA position 4489, one base deleted (C; older notation c.4489delC).
Protein change: p.Gln1497fs; shifts the reading frame from glutamine 1497.
Molecular consequence: frameshift variant.
Genome position (GRCh38, 1-based): chr20:35,502,858, C deleted; the last of 2 consecutive C bases (chr20:35,502,857-35,502,858); deleting either gives the same sequence. VCF-style (leftmost placement, unchanged base first): chr20-35502856-TC-T. GRCh37 (hg19) VCF-style: chr20-34090684-TC-T.
Other names: c.2593del, p.Gln865fs (NM_001318219.1); short protein forms Q865fs, Q1497fs.
Identifiers: ClinVar variation 2065695 (VCV002065695.4), dbSNP rs2516234229, ClinGen allele CA2577381896.